The following is an entry in ClinVar:

ClinVar aggregate classification (germline): Benign/Likely benign. Review status: criteria provided, multiple submitters, no conflicts (2 of 4 stars). 2 submissions from 2 submitters: Benign (1); Likely benign (1). Last evaluated 2024-07-03.

Conditions:
Hereditary cancer-predisposing syndrome. Also called: Hereditary Cancer Syndrome; Hereditary neoplastic syndrome; Neoplastic Syndromes, Hereditary; Tumor predisposition. Identifiers: Orphanet 140162, MedGen C0027672, MeSH D009386, MONDO:0015356.
Oligodontia-cancer predisposition syndrome. Also called: TOOTH AGENESIS-COLORECTAL CANCER SYNDROME. Identifiers: Orphanet 300576, MedGen C1837750, MONDO:0012075, OMIM 608615. Disease mechanism: loss of function.

Submissions (2):

Myriad Genetics, Inc.
Classification: Benign for Oligodontia-cancer predisposition syndrome. Last evaluated: 2024-07-03. Review status: criteria provided, single submitter. Criteria: Myriad Autosomal Dominant, Autosomal Recessive and X-Linked Classification Criteria (2023). Collection method: clinical testing. Allele origin: unknown.
Comment: This variant is considered benign. This variant is a silent/synonymous amino acid change and it is not expected to impact splicing.

Ambry Genetics
Classification: Likely benign for Hereditary cancer-predisposing syndrome. Last evaluated: 2022-02-12. Review status: criteria provided, single submitter. Criteria: Ambry Variant Classification Scheme 2023. Collection method: clinical testing. Allele origin: germline.

NM_004655.4(AXIN2):c.1551C>T (p.His517=)

Gene: AXIN2 (axin 2; minus strand). Cytogenetic location: 17q24.1.
Variant type: single nucleotide variant.
Coding change: c.1551C>T on transcript NM_004655.4 (MANE Select); coding-DNA position 1551, C replaced by T.
Protein change: p.His517=; no amino-acid change (histidine 517 retained).
Molecular consequence: synonymous variant.
Genome position (GRCh38, 1-based): chr17:65,537,485, G>A on the plus strand (C>T on the coding strand, the complement: AXIN2 is on the minus strand). VCF-style: chr17-65537485-G-A. GRCh37 (hg19) VCF-style: chr17-63533603-G-A.
Other names: c.1551C>T, p.His517= (NM_001363813.1).
Identifiers: ClinVar variation 1775066 (VCV001775066.3), dbSNP rs2144459729, ClinGen allele CA501691284.